The following is an entry in ClinVar:

NM_005144.5(HR):c.3322A>C (p.Thr1108Pro)

Gene: HR (HR lysine demethylase and nuclear receptor corepressor; minus strand). Cytogenetic location: 8p21.3.
Variant type: single nucleotide variant.
Coding change: c.3322A>C on transcript NM_005144.5 (MANE Select); coding-DNA position 3322, A replaced by C.
Protein change: p.Thr1108Pro; replaces threonine 1108 with proline.
Molecular consequence: missense variant. On other transcripts: intron variant (1).
Genome position (GRCh38, 1-based): chr8:22,116,931, T>G on the plus strand (A>C on the coding strand, the complement: HR is on the minus strand). VCF-style: chr8-22116931-T-G. GRCh37 (hg19) VCF-style: chr8-21974444-T-G.
Other names: c.3214-503A>C (NM_018411.4); short protein forms T1108P.
Identifiers: ClinVar variation 3367073 (VCV003367073.1).

ClinVar aggregate classification (germline): Uncertain significance (1 of 4 stars; one submission).

Conditions:
Alopecia universalis congenita (ALUNC). Also called: ATRICHIA, GENERALIZED. Identifiers: Orphanet 701, MedGen C1859877, MONDO:0008757, OMIM 203655.

gnomAD v4.1: 1 of 1,550,594 alleles (0.000064%); no homozygotes.

Submission:

Neuberg Centre For Genomic Medicine, NCGM
Classification: Uncertain significance for Alopecia universalis congenita. Last evaluated: 2023-05-20. Review status: criteria provided, single submitter. Criteria: ACMG Guidelines, 2015. Collection method: clinical testing. Allele origin: germline. Inheritance: Autosomal recessive inheritance. Affected: yes.
Comment: The observed missense c.3322A>C(p.Thr1108Pro) variant in HR gene has not been reported previously as a pathogenic variant nor as a benign variant, to our knowledge. This variant is absent in gnomAD Exomes. The amino acid Thr at position 1108 is changed to a Pro changing protein sequence and it might alter its composition and physico-chemical properties. The amino acid change p.Thr1108Pro in HR is predicted as conserved by GERP++ and PhyloP across 100 vertebrates. Multiple lines of computational evidence (Polyphen - Damaging, SIFT - Damaging, and MutationTaster - Disease causing) predict a damaging effect on protein structure and function for this variant. For these reasons, this variant has been classified as Uncertain Significance.